The following is an entry in ClinVar:

NM_001378328.1(CELSR1):c.7728C>T (p.Val2576=)

Gene: CELSR1 (cadherin EGF LAG seven-pass G-type receptor 1; minus strand). Cytogenetic location: 22q13.31.
Variant type: single nucleotide variant.
Coding change: c.7728C>T on transcript NM_001378328.1 (MANE Select); coding-DNA position 7728, C replaced by T.
Protein change: p.Val2576=; no amino-acid change (valine 2576 retained).
Molecular consequence: synonymous variant.
Genome position (GRCh38, 1-based): chr22:46,372,914, G>A on the plus strand (C>T on the coding strand, the complement: CELSR1 is on the minus strand). VCF-style: chr22-46372914-G-A. GRCh37 (hg19) VCF-style: chr22-46768811-G-A.
Other names: c.7728C>T, p.Val2576= (NM_014246.4).
Identifiers: ClinVar variation 3057040 (VCV003057040.2), dbSNP rs35852431, ClinGen allele CA10293261.

ClinVar aggregate classification (germline): Benign (0 of 4 stars; one submission).

Conditions:
CELSR1-related disorder. Also called: CELSR1-related condition.

Allele frequency attached by ClinVar (database versions not stated): 1000 Genomes Project 30x 0.02514; 1000 Genomes Project 0.02636; TOPMed 0.04132; ExAC 0.04274; gnomAD 0.04365; ESP Exome Variant Server 0.04775; gnomAD exomes 0.05805.

Submission:

PreventionGenetics, part of Exact Sciences
Classification: Benign for CELSR1-related condition. Last evaluated: 2019-02-22. Review status: no assertion criteria provided. Collection method: clinical testing. Allele origin: germline.
Comment: This variant is classified as benign based on ACMG/AMP sequence variant interpretation guidelines (Richards et al. 2015 PMID: 25741868, with internal and published modifications).